The following is an entry in ClinVar:

ClinVar aggregate classification (germline): Pathogenic (1 of 4 stars; one submission).

Conditions:
Hereditary breast ovarian cancer syndrome. Also called: Hereditary breast and ovarian cancer; BRCA1- and BRCA2-Associated Hereditary Breast and Ovarian Cancer; Hereditary breast and ovarian cancer syndrome; Hereditary breast and ovarian cancer syndrome (HBOC); Breast and ovarian cancer; Hereditary breast and/or ovarian cancer syndrome. Identifiers: Orphanet 145, MedGen C0677776, MeSH D061325, MONDO:0003582. Disease mechanism: loss of function.

Submission:

Labcorp Genetics (formerly Invitae), Labcorp
Classification: Pathogenic for Hereditary breast ovarian cancer syndrome. Last evaluated: 2023-07-19. Review status: criteria provided, single submitter. Criteria: Invitae Variant Classification Sherloc (09022015). Collection method: clinical testing. Allele origin: germline.
Comment: For these reasons, this variant has been classified as Pathogenic. This variant has not been reported in the literature in individuals affected with BRCA1-related conditions. This variant is not present in population databases (gnomAD no frequency). This sequence change creates a premature translational stop signal (p.Glu1167Lysfs*43) in the BRCA1 gene. It is expected to result in an absent or disrupted protein product. Loss-of-function variants in BRCA1 are known to be pathogenic (PMID: 20104584).

Literature cited by the submitters: PubMed 20104584.

NM_007294.4(BRCA1):c.3499del (p.Glu1167fs)

Genes: BRCA1 (BRCA1 DNA repair associated; minus strand), LOC126862571 (BRD4-independent group 4 enhancer GRCh37_chr17:41243136-41244335; plus strand). Cytogenetic location: 17q21.31.
Variant type: Deletion.
Coding change: c.3499del on transcript NM_007294.4 (MANE Select); coding-DNA position 3499, one base deleted (G; older notation c.3499delG).
Protein change: p.Glu1167fs; shifts the reading frame from glutamic acid 1167.
Molecular consequence: frameshift variant. On other transcripts: intron variant (135).
Genome position (GRCh38, 1-based): chr17:43,092,032, C deleted on the plus strand (G on the coding strand, the reverse complement: BRCA1 is on the minus strand). VCF-style (leftmost placement, unchanged base first): chr17-43092031-TC-T. GRCh37 (hg19) VCF-style: chr17-41244048-TC-T.
Other names: c.3166del, p.Glu1056fs (NM_001407957.1, NM_001407947.1, NM_001407948.1 and 6 more transcripts); c.3163del, p.Glu1055fs (NM_001407958.1, NM_001407954.1, NM_001407955.1 and 1 more transcripts); c.3118del, p.Glu1040fs (NM_001407959.1, NM_001407960.1, NM_001407963.1); c.3499del, p.Glu1167fs (NM_001407583.1, NM_001407596.1, NM_001407597.1 and 30 more transcripts); c.3496del, p.Glu1166fs (NM_001407587.1, NM_001407591.1, NM_001407590.1 and 22 more transcripts); c.3358del, p.Glu1120fs (NM_001407942.1, NM_001407944.1, NM_001407945.1 and 29 more transcripts); c.3355del, p.Glu1119fs (NM_001407943.1, NM_001407964.1, NM_001407740.1 and 20 more transcripts); c.3115del, p.Glu1039fs (NM_001407962.1); and 41 more; short protein forms E1039fs, E1096fs, E1120fs, E1126fs, E1140fs, E1167fs, E999fs, E1040fs.
Identifiers: ClinVar variation 2832857 (VCV002832857.3), dbSNP rs2552147230, ClinGen allele CA2739265624.
Genomic context (GRCh38, chr17:43,092,031, plus strand): 5'-CTAAGCTCTCCTTTCTGGACGCTTTTGCTAAAAACAGCAGAACTTTCCTTAATGTCATTT[TC>T]AGCAAAACTAGTATCTTCCTTTATTTCACCATCATCTAACAGGTCATCAGGTGTCTCAGA-3'